The following is an entry in ClinVar:

ClinVar aggregate classification (germline): Uncertain significance (1 of 4 stars; one submission).

Conditions:
Anophthalmia-microphthalmia syndrome. Also called: Anophthalmia/Microphthalmia; Anophthalmia - microphthalmia. Identifiers: Orphanet 98555, MedGen C5680330, MONDO:0020147.

Submission:

Labcorp Genetics (formerly Invitae), Labcorp
Classification: Uncertain significance for Anophthalmia-microphthalmia syndrome. Last evaluated: 2025-02-06. Review status: criteria provided, single submitter. Criteria: Invitae Variant Classification Sherloc (09022015). Collection method: clinical testing. Allele origin: germline.
Comment: This sequence change replaces leucine, which is neutral and non-polar, with glutamine, which is neutral and polar, at codon 25 of the OTX2 protein (p.Leu25Gln). This variant is not present in population databases (gnomAD no frequency). This variant has not been reported in the literature in individuals affected with OTX2-related conditions. An algorithm developed to predict the effect of missense changes on protein structure and function (PolyPhen-2) suggests that this variant is likely to be disruptive. In summary, the available evidence is currently insufficient to determine the role of this variant in disease. Therefore, it has been classified as a Variant of Uncertain Significance.

NM_021728.4(OTX2):c.74T>A (p.Leu25Gln)

Gene: OTX2 (orthodenticle homeobox 2; minus strand). Cytogenetic location: 14q22.3.
Variant type: single nucleotide variant.
Coding change: c.74T>A on transcript NM_021728.4 (MANE Select); coding-DNA position 74, T replaced by A.
Protein change: p.Leu25Gln; replaces leucine 25 with glutamine.
Molecular consequence: missense variant. On other transcripts: non-coding transcript variant (2).
Genome position (GRCh38, 1-based): chr14:56,805,383, A>T on the plus strand (T>A on the coding strand, the complement: OTX2 is on the minus strand). VCF-style: chr14-56805383-A-T. GRCh37 (hg19) VCF-style: chr14-57272101-A-T.
Other names: c.74T>A, p.Leu25Gln (NM_001270523.2, NM_001270524.2, NM_001270525.2 and 1 more transcripts); short protein forms L25Q.
Identifiers: ClinVar variation 4712337 (VCV004712337.1).